The following is an entry in ClinVar:

NM_001904.4(CTNNB1):c.1722C>T (p.Thr574=)

Gene: CTNNB1 (catenin beta 1; plus strand). Cytogenetic location: 3p22.1.
Variant type: single nucleotide variant.
Coding change: c.1722C>T on transcript NM_001904.4 (MANE Select); coding-DNA position 1722, C replaced by T.
Protein change: p.Thr574=; no amino-acid change (threonine 574 retained).
Molecular consequence: synonymous variant.
Genome position (GRCh38, 1-based): chr3:41,235,762, C>T. VCF-style: chr3-41235762-C-T. GRCh37 (hg19) VCF-style: chr3-41277253-C-T.
Other names: c.1722C>T, p.Thr574= (NM_001098209.2, NM_001098210.2); c.1701C>T, p.Thr567= (NM_001330729.2); c.1722C>T (NM_001904.3).
Identifiers: ClinVar variation 1642045 (VCV001642045.11), dbSNP rs566776791, ClinGen allele CA2331162.

ClinVar aggregate classification (germline): Likely benign. Review status: criteria provided, multiple submitters, no conflicts (2 of 4 stars). 3 submissions from 3 submitters: Likely benign (2). 1 of the submissions does not count toward it. Last evaluated 2026-04-11.

Conditions:
Inborn genetic diseases. Identifiers: MedGen C0950123, MeSH D030342.
CTNNB1-related disorder. Also called: CTNNB1-related condition.

Allele frequency attached by ClinVar (database versions not stated): TOPMed 0.00002; ExAC 0.00002; gnomAD exomes 0.00001; gnomAD 0.00001 and 0.00003; 1000 Genomes Project 30x 0.00016; 1000 Genomes Project 0.00020.
gnomAD v4.1: 26 of 1,614,010 alleles (0.0016%); highest among the groups gnomAD compares: South Asian, 0.0099%; no homozygotes.

Submissions (3):

Ambry Genetics
Classification: Likely benign for Inborn genetic diseases. Last evaluated: 2026-04-11. Review status: criteria provided, single submitter. Criteria: Ambry Variant Classification Scheme 2023. Collection method: clinical testing. Allele origin: germline.

Labcorp Genetics (formerly Invitae), Labcorp
Classification: Likely benign. Last evaluated: 2025-10-13. Review status: criteria provided, single submitter. Criteria: Invitae Variant Classification Sherloc (09022015). Collection method: clinical testing. Allele origin: germline.

PreventionGenetics, part of Exact Sciences
Classification: Likely benign for CTNNB1-related condition. Last evaluated: 2023-09-16. Review status: no assertion criteria provided. Collection method: clinical testing. Allele origin: germline. Not counted in ClinVar's aggregate classification.
Comment: This variant is classified as likely benign based on ACMG/AMP sequence variant interpretation guidelines (Richards et al. 2015 PMID: 25741868, with internal and published modifications).